The following continues an entry in ClinVar:

NM_007294.4(BRCA1):c.3083G>A (p.Arg1028His)

Gene: BRCA1. ClinVar aggregate classification (germline): Benign. Benign (1).

Submissions 18 to 27 of 27:

PreventionGenetics, part of Exact Sciences
Classification: Likely benign. Last evaluated: 2018-01-11. Review status: criteria provided, single submitter. Criteria: ACMG Guidelines, 2015. Collection method: clinical testing. Allele origin: germline. Not counted in ClinVar's aggregate classification.

Women's Health and Genetics/Laboratory Corporation of America, LabCorp
Classification: Benign. Last evaluated: 2016-03-24. Review status: criteria provided, single submitter. Criteria: LabCorp Variant Classification Summary - May 2015. Collection method: clinical testing. Allele origin: germline. Not counted in ClinVar's aggregate classification.
Comment: Variant summary: The variant of interest causes a missense change involving a non-conserved nucleotide with 3/4 in silico programs predicting a "benign" outcome (SNPs&GO not captured here due to low reliability index). The variant of interest was observed in a large, broad control population, ExAC with an overall allele frequency of 21/121360 (1/5780), however, the variant is predominantly observed in the Latino population with an allele frequency of 19/11576 (1/609), which exceeds the maximum expected allele frequency for a pathogenic BRCA1 variant of 1/1000. Therefore, suggesting that the variant of interest is a common polymorphism specifically found in population(s) of Latino origin. In addition, the variant of interest has been found in affected individuals, with limited co-occurrence and co-segregation information but has been observed to co-occur with another BRCA1 variant, c.5165C>T (p.Ser1722Phe), which was previously classified as VUS-possibly pathogenic and with a pathogenic BRCA2 variant c.771_775delTCAAA p.Asn257_Arg259fs indicating neutrality. Furthermore, the variant of interest has been classified by multiple reputable databases and clinical laboratories via ClinVar, along with publications, Easton_2007 and Lindor_2012, all which classify the variant as "neutral/likely neutral." Therefore, taking all available lines of evidence, the variant of interest is classified as Benign.

Genomic Diagnostic Laboratory, Division of Genomic Diagnostics, Children's Hospital of Philadelphia
Classification: Uncertain significance for Hereditary Breast and Ovarian Cancer. Last evaluated: 2015-12-03. Review status: criteria provided, single submitter. Criteria: DGD Variant Analysis Guidelines. Collection method: clinical testing. Allele origin: unknown. Not counted in ClinVar's aggregate classification.

Color Diagnostics, LLC DBA Color Health
Classification: Likely benign for Hereditary cancer-predisposing syndrome. Last evaluated: 2015-04-06. Review status: criteria provided, single submitter. Criteria: ACMG Guidelines, 2015. Collection method: clinical testing. Allele origin: germline. Not counted in ClinVar's aggregate classification.

Ambry Genetics
Classification: Benign for Hereditary cancer-predisposing syndrome. Last evaluated: 2014-11-18. Review status: criteria provided, single submitter. Criteria: Ambry Variant Classification Scheme 2023. Collection method: clinical testing. Allele origin: germline. Not counted in ClinVar's aggregate classification.

Counsyl
Classification: Likely benign for Breast-ovarian cancer, familial 1. Last evaluated: 2014-12-01. Review status: no assertion criteria provided. Collection method: literature only. Allele origin: unknown. Inheritance: Autosomal dominant inheritance. Not counted in ClinVar's aggregate classification.

ITMI
No classification provided. Condition: AllHighlyPenetrant. Last evaluated: 2013-09-19. Review status: no classification provided. Collection method: reference population. Allele origin: germline. Not counted in ClinVar's aggregate classification.
Comment: Please see associated publication for description of ethnicities

Sharing Clinical Reports Project (SCRP)
Classification: Benign for Breast-ovarian cancer, familial 1. Last evaluated: 2006-10-03. Review status: no assertion criteria provided. Collection method: clinical testing. Allele origin: germline. Not counted in ClinVar's aggregate classification.

Breast Cancer Information Core (BIC) (BRCA1)
Classification: Uncertain significance for Breast-ovarian cancer, familial 1. Last evaluated: 2002-05-29. Review status: no assertion criteria provided. Collection method: clinical testing. Allele origin: germline. Affected: yes. Observed: 13 variant alleles. Not counted in ClinVar's aggregate classification.

Department of Pathology and Laboratory Medicine, Sinai Health System
Classification: Benign. Review status: no assertion criteria provided. Collection method: clinical testing. Allele origin: unknown. Affected: yes. Observed: 3 variant alleles. Study: The Canadian Open Genetics Repository (COGR). Not counted in ClinVar's aggregate classification.
Comment: The p.Arg1028 variant has been reported in the literature in 9/111500 proband chromosomes of individuals with HBOC and brain cancer, although no control chromosomes were tested to establish the frequency in the general population (Abkevich_2004, Judkins_2005a, Lindor_2012, Spitzer_2000). It has also been identified in the BIC (x13), BOCs (classified as ACMG 3), and LOVD databases. It is listed in the dbSNP database as coming from a "clinical source" (ID#: rs80357459) with a MAF score of 0.001 (1000 Genomes). This residue is not conserved in mammals and the variant amino acid Histidine (His) is present in the macaque at this position, increasing the likelihood that an alteration to this residue may not have functional significance. Computational analyses (PolyPhen, SIFT, AlignGVGD) do not predict any effect on the protein function, however, this information is not predictive enough to assume pathogenicity. Myriad reports this variant as being a "polymorphism" increasing the likelihood this variant does not have clinical significance. In summary, based on the above information, the clinical significance of this variant cannot be determined with certainty at this time. This variant is classified as a variant of unknown significance.

Literature cited by the submitters: PubMed 21990134 (cited by 3 submitters); PubMed 21318380 (cited by Illumina Laboratory Services, Illumina); PubMed 17924331 (cited by 3 submitters); PubMed 16267036 (cited by Women's Health and Genetics/Laboratory Corporation of America, LabCorp and Counsyl); PubMed 15235020 (cited by Women's Health and Genetics/Laboratory Corporation of America, LabCorp); PubMed 22753008 (cited by Women's Health and Genetics/Laboratory Corporation of America, LabCorp); PubMed 10699917 (cited by Women's Health and Genetics/Laboratory Corporation of America, LabCorp and Counsyl); PubMed 22476429 (cited by Women's Health and Genetics/Laboratory Corporation of America, LabCorp and Counsyl); PubMed 24728327 (cited by Women's Health and Genetics/Laboratory Corporation of America, LabCorp and ITMI).